The following is an entry in ClinVar:

ClinVar aggregate classification (germline): Uncertain significance (1 of 4 stars; one submission).

Submission:

Labcorp Genetics (formerly Invitae), Labcorp
Classification: Uncertain significance. Last evaluated: 2024-04-26. Review status: criteria provided, single submitter. Criteria: Invitae Variant Classification Sherloc (09022015). Collection method: clinical testing. Allele origin: germline.
Comment: This variant, c.294_314dup, results in the insertion of 7 amino acid(s) of the SERPING1 protein (p.Ile100_Thr106dup), but otherwise preserves the integrity of the reading frame. This variant is not present in population databases (gnomAD no frequency). This variant has not been reported in the literature in individuals affected with SERPING1-related conditions. In summary, the available evidence is currently insufficient to determine the role of this variant in disease. Therefore, it has been classified as a Variant of Uncertain Significance.

NM_000062.3(SERPING1):c.294_314dup (p.Thr106_Thr107insIleGlnProThrGlnProThr)

Gene: SERPING1 (serpin family G member 1; plus strand). Cytogenetic location: 11q12.1.
Variant type: Duplication.
Coding change: c.294_314dup on transcript NM_000062.3 (MANE Select); coding-DNA positions 294 to 314, 21 bases duplicated (CACCATCCAACCCACCCAACC).
Protein change: p.Thr106_Thr107insIleGlnProThrGlnProThr.
Genome position (GRCh38, 1-based): chr11:57,600,121-57,600,141, CACCATCCAACCCACCCAACC duplicated; duplicating any 21 consecutive bases within chr11:57,600,111-57,600,141 gives the same sequence; the c. name uses the placement nearest the transcript's 3' end. VCF-style (leftmost placement, unchanged base first): chr11-57600110-A-ACCACCCAACCCACCATCCAAC. GRCh37 (hg19) VCF-style: chr11-57367583-A-ACCACCCAACCCACCATCCAAC.
Other names: c.294_314dup, p.Thr106_Thr107insIleGlnProThrGlnProThr (NM_001032295.2).
Identifiers: ClinVar variation 3678991 (VCV003678991.2).